The following is an entry in ClinVar:

NM_001022.4(RPS19):c.263T>C (p.Met88Thr)

Genes: RPS19 (ribosomal protein S19; plus strand), RPS19-CD79A (RPS19-CD79A readthrough; plus strand). Cytogenetic location: 19q13.2.
Variant type: single nucleotide variant.
Coding change: c.263T>C on transcript NM_001022.4 (MANE Select); coding-DNA position 263, T replaced by C.
Protein change: p.Met88Thr; replaces methionine 88 with threonine.
Molecular consequence: missense variant. On other transcripts: synonymous variant (1).
Genome position (GRCh38, 1-based): chr19:41,869,121, T>C. VCF-style: chr19-41869121-T-C. GRCh37 (hg19) VCF-style: chr19-42373191-T-C.
Other names: c.263T>C, p.Met88Thr (NM_001321483.2, NM_001321484.2); c.276T>C, p.His92= (NM_001321485.2); short protein forms M88T.
Identifiers: ClinVar variation 3712815 (VCV003712815.2).

ClinVar aggregate classification (germline): Uncertain significance (1 of 4 stars; one submission).

Conditions:
Diamond-Blackfan anemia. Also called: Blackfan Diamond syndrome; Aregenerative anemia chronic congenital; Red cell aplasia, pure hereditary; Congenital hypoplastic anemia; Aase syndrome. Identifiers: Orphanet 124, MedGen C1260899, MeSH D029503, MONDO:0015253, HP:0004810.

Submission:

Labcorp Genetics (formerly Invitae), Labcorp
Classification: Uncertain significance for Diamond-Blackfan anemia. Last evaluated: 2025-01-27. Review status: criteria provided, single submitter. Criteria: Invitae Variant Classification Sherloc (09022015). Collection method: clinical testing. Allele origin: germline.
Comment: This sequence change replaces methionine, which is neutral and non-polar, with threonine, which is neutral and polar, at codon 88 of the RPS19 protein (p.Met88Thr). This variant is not present in population databases (gnomAD no frequency). This variant has not been reported in the literature in individuals affected with RPS19-related conditions. An algorithm developed to predict the effect of missense changes on protein structure and function (PolyPhen-2) suggests that this variant is likely to be tolerated. In summary, the available evidence is currently insufficient to determine the role of this variant in disease. Therefore, it has been classified as a Variant of Uncertain Significance.